The following is an entry in ClinVar:

ClinVar aggregate classification (germline): Uncertain significance (1 of 4 stars; one submission).

Submission:

Ambry Genetics
Classification: Uncertain significance. Last evaluated: 2025-03-20. Review status: criteria provided, single submitter. Criteria: Ambry Variant Classification Scheme 2023. Collection method: clinical testing. Allele origin: germline.
Comment: The p.R1965G variant (also known as c.5893C>G), located in coding exon 23 of the WNK2 gene, results from a C to G substitution at nucleotide position 5893. The arginine at codon 1965 is replaced by glycine, an amino acid with dissimilar properties. This amino acid position is conserved. In addition, this alteration is predicted to be tolerated by in silico analysis. Based on the available evidence, the clinical significance of this variant remains unclear.

NM_006648.4(WNK2):c.5893C>G (p.Arg1965Gly)

Gene: WNK2 (WNK lysine deficient protein kinase 2; plus strand). Cytogenetic location: 9q22.31.
Variant type: single nucleotide variant.
Coding change: c.5893C>G on transcript NM_006648.4 (MANE Select); coding-DNA position 5893, C replaced by G.
Protein change: p.Arg1965Gly; replaces arginine 1965 with glycine.
Molecular consequence: missense variant.
Genome position (GRCh38, 1-based): chr9:93,298,037, C>G. VCF-style: chr9-93298037-C-G. GRCh37 (hg19) VCF-style: chr9-96060319-C-G.
Other names: c.6004C>G, p.Arg2002Gly (NM_001282394.3); short protein forms R2002G, R1965G.
Identifiers: ClinVar variation 3981679 (VCV003981679.1).